The following is an entry in ClinVar:

NM_004304.5(ALK):c.4322C>T (p.Pro1441Leu)

Gene: ALK (ALK receptor tyrosine kinase; minus strand). Cytogenetic location: 2p23.2.
Variant type: single nucleotide variant.
Coding change: c.4322C>T on transcript NM_004304.5 (MANE Select); coding-DNA position 4322, C replaced by T.
Protein change: p.Pro1441Leu; replaces proline 1441 with leucine.
Molecular consequence: missense variant.
Genome position (GRCh38, 1-based): chr2:29,193,765, G>A on the plus strand (C>T on the coding strand, the complement: ALK is on the minus strand). VCF-style: chr2-29193765-G-A. GRCh37 (hg19) VCF-style: chr2-29416631-G-A.
Other names: c.1118C>T, p.Pro373Leu (NM_001353765.2); short protein forms P1441L, P373L.
Identifiers: ClinVar variation 1061537 (VCV001061537.9), dbSNP rs1668949114, ClinGen allele CA346462634.

ClinVar aggregate classification (germline): Uncertain significance (1 of 4 stars; one submission).

Conditions:
Neuroblastoma, susceptibility to, 3. Also called: ALK-Related Neuroblastic Tumor Susceptibility. Identifiers: Orphanet 635, MedGen C2751681, MONDO:0013083, OMIM 613014.

Submission:

Labcorp Genetics (formerly Invitae), Labcorp
Classification: Uncertain significance for Neuroblastoma, susceptibility to, 3. Last evaluated: 2023-06-20. Review status: criteria provided, single submitter. Criteria: Invitae Variant Classification Sherloc (09022015). Collection method: clinical testing. Allele origin: germline.
Comment: ClinVar contains an entry for this variant (Variation ID: 1061537). This sequence change replaces proline, which is neutral and non-polar, with leucine, which is neutral and non-polar, at codon 1441 of the ALK protein (p.Pro1441Leu). This variant is not present in population databases (gnomAD no frequency). This variant has not been reported in the literature in individuals affected with ALK-related conditions. Algorithms developed to predict the effect of missense changes on protein structure and function output the following: SIFT: "Not Available"; PolyPhen-2: "Benign"; Align-GVGD: "Not Available". The leucine amino acid residue is found in multiple mammalian species, which suggests that this missense change does not adversely affect protein function. In summary, the available evidence is currently insufficient to determine the role of this variant in disease. Therefore, it has been classified as a Variant of Uncertain Significance.